The following is an entry in ClinVar:

ClinVar aggregate classification (germline): Uncertain significance (1 of 4 stars; one submission).

Conditions:
Juvenile polyposis syndrome (JPS). Identifiers: Orphanet 2929, MedGen C0345893, MONDO:0017380, OMIM 174900.

Submission:

Labcorp Genetics (formerly Invitae), Labcorp
Classification: Uncertain significance for Juvenile polyposis syndrome. Last evaluated: 2023-09-22. Review status: criteria provided, single submitter. Criteria: Invitae Variant Classification Sherloc (09022015). Collection method: clinical testing. Allele origin: germline.
Comment: This variant is not present in population databases (gnomAD no frequency). This sequence change replaces asparagine, which is neutral and polar, with serine, which is neutral and polar, at codon 263 of the SMAD4 protein (p.Asn263Ser). In summary, the available evidence is currently insufficient to determine the role of this variant in disease. Therefore, it has been classified as a Variant of Uncertain Significance. An algorithm developed to predict the effect of missense changes on protein structure and function (PolyPhen-2) suggests that this variant is likely to be tolerated. This variant has not been reported in the literature in individuals affected with SMAD4-related conditions.

NM_005359.6(SMAD4):c.788A>G (p.Asn263Ser)

Gene: SMAD4 (SMAD family member 4; plus strand). Cytogenetic location: 18q21.2.
Variant type: single nucleotide variant.
Coding change: c.788A>G on transcript NM_005359.6 (MANE Select); coding-DNA position 788, A replaced by G.
Protein change: p.Asn263Ser; replaces asparagine 263 with serine.
Molecular consequence: missense variant. On other transcripts: non-coding transcript variant (2).
Genome position (GRCh38, 1-based): chr18:51,058,340, A>G. VCF-style: chr18-51058340-A-G. GRCh37 (hg19) VCF-style: chr18-48584710-A-G.
Other names: c.788A>G, p.Asn263Ser (NM_001407041.1, NM_001407042.1, NM_001407043.1); short protein forms N263S.
Identifiers: ClinVar variation 2762814 (VCV002762814.3), dbSNP rs2144428318, ClinGen allele CA402463247.
Genomic context (GRCh38, chr18:51,058,340, plus strand): 5'-GAGAAAAAAGTAGGCAGCCTTTATAAAAGCAAATTAACCCATGTGGGCCTTAATTTTTAG[A>G]CAGCACTACCACCTGGACTGGAAGTAGGACTGCACCATACACACCTAATTTGCCTCACCA-3'
Protein context (NP_005350.1, residues 253-273): FTGQPATYHH[Asn263Ser]STTTWTGSRT